The following is an entry in ClinVar:

ClinVar aggregate classification (germline): Uncertain significance. Review status: criteria provided, multiple submitters, no conflicts (2 of 4 stars). 3 submissions from 3 submitters: Uncertain significance (2). 1 of the submissions does not count toward it. Last evaluated 2025-09-06.

Conditions:
MAGEL2-related disorder. Also called: MAGEL2-related condition.
Inborn genetic diseases. Identifiers: MedGen C0950123, MeSH D030342.

Allele frequency attached by ClinVar (database versions not stated): gnomAD exomes below 0.00001; ExAC 0.00001; gnomAD 0.00002; TOPMed 0.00005; ESP Exome Variant Server 0.00008.
gnomAD v4.1: 8 of 1,613,562 alleles (0.0005%); highest among the groups gnomAD compares: Admixed American, 0.0067%; no homozygotes.

Submissions (3):

Labcorp Genetics (formerly Invitae), Labcorp
Classification: Uncertain significance. Last evaluated: 2025-09-06. Review status: criteria provided, single submitter. Criteria: Invitae Variant Classification Sherloc (09022015). Collection method: clinical testing. Allele origin: germline.
Comment: This sequence change replaces glycine, which is neutral and non-polar, with serine, which is neutral and polar, at codon 1148 of the MAGEL2 protein (p.Gly1148Ser). This variant is present in population databases (rs373117296, gnomAD 0.007%). This variant has not been reported in the literature in individuals affected with MAGEL2-related conditions. ClinVar contains an entry for this variant (Variation ID: 1918099). Invitae Evidence Modeling of protein sequence and biophysical properties (such as structural, functional, and spatial information, amino acid conservation, physicochemical variation, residue mobility, and thermodynamic stability) indicates that this missense variant is not expected to disrupt MAGEL2 protein function with a negative predictive value of 80%. In summary, the available evidence is currently insufficient to determine the role of this variant in disease. Therefore, it has been classified as a Variant of Uncertain Significance.

Ambry Genetics
Classification: Uncertain significance for Inborn genetic diseases. Last evaluated: 2023-12-09. Review status: criteria provided, single submitter. Criteria: Ambry Variant Classification Scheme 2023. Collection method: clinical testing. Allele origin: germline.

PreventionGenetics, part of Exact Sciences
Classification: Uncertain significance for MAGEL2-related condition. Last evaluated: 2024-07-18. Review status: no assertion criteria provided. Collection method: clinical testing. Allele origin: germline. Not counted in ClinVar's aggregate classification.
Comment: The MAGEL2 c.3442G>A variant is predicted to result in the amino acid substitution p.Gly1148Ser. To our knowledge, this variant has not been reported in the literature. This variant is reported in 0.0065% of alleles in individuals of African descent in gnomAD. At this time, the clinical significance of this variant is uncertain due to the absence of conclusive functional and genetic evidence.

NM_019066.5(MAGEL2):c.3442G>A (p.Gly1148Ser)

Gene: MAGEL2 (MAGE family member L2; minus strand). Cytogenetic location: 15q11.2.
Variant type: single nucleotide variant.
Coding change: c.3442G>A on transcript NM_019066.5 (MANE Select); coding-DNA position 3442, G replaced by A.
Protein change: p.Gly1148Ser; replaces glycine 1148 with serine.
Molecular consequence: missense variant.
Genome position (GRCh38, 1-based): chr15:23,644,301, C>T on the plus strand (G>A on the coding strand, the complement: MAGEL2 is on the minus strand). VCF-style: chr15-23644301-C-T. GRCh37 (hg19) VCF-style: chr15-23889448-C-T.
Other names: c.3442G>A (NM_019066.4); short protein forms G1148S.
Identifiers: ClinVar variation 1918099 (VCV001918099.7), dbSNP rs373117296, ClinGen allele CA7429692.